The following is an entry in ClinVar:

ClinVar aggregate classification (germline): Conflicting classifications of pathogenicity. Review status: criteria provided, conflicting classifications (1 of 4 stars). 7 submissions from 7 submitters: Uncertain significance (5); Likely benign (2). Last evaluated 2026-08-24.

Conditions:
INF2-related disorder. Also called: INF2-related condition.
Inborn genetic diseases. Identifiers: MedGen C0950123, MeSH D030342.
Charcot-Marie-Tooth disease dominant intermediate E. Also called: CHARCOT-MARIE-TOOTH NEUROPATHY WITH FOCAL SEGMENTAL GLOMERULONEPHRITIS. Identifiers: Orphanet 93114, MedGen C4302667, MONDO:0013758, OMIM 614455.
Focal segmental glomerulosclerosis 5 (FSGS5). Identifiers: Orphanet 656, MedGen C2750475, MONDO:0013191, OMIM 613237.

Submissions (7):

PreventionGenetics, part of Exact Sciences
Classification: Uncertain significance for INF2-related condition. Last evaluated: 2026-08-24. Review status: criteria provided, single submitter. Criteria: ACMG Guidelines, 2015. Collection method: clinical testing. Allele origin: germline.
Comment: The INF2 c.3740_3741delTG variant is predicted to result in a frameshift and premature protein termination (p.Val1247Aspfs*89). In isoform NM_022489.3, this variant occurs in the third to last codon and is predicted to result in a frameshift and extension of the protein. However, in other isoforms this variant is deep intronic and post coding (NM_001031714:c.3694+473_3694+474delTG; NM_032714:c.*11376_*11377delTG). To our knowledge, this variant has not been reported in the literature. This variant is reported in 0.025% of alleles in individuals of African descent in gnomAD, which may be too frequent to be a primary cause of disease. Although we suspect this variant is benign, at this time, the clinical significance of this variant is uncertain due to the absence of conclusive functional and genetic evidence.

Labcorp Genetics (formerly Invitae), Labcorp
Classification: Uncertain significance for Charcot-Marie-Tooth disease dominant intermediate E; Focal segmental glomerulosclerosis 5. Last evaluated: 2026-01-07. Review status: criteria provided, single submitter. Criteria: Invitae Variant Classification Sherloc (09022015). Collection method: clinical testing. Allele origin: germline.
Comment: This sequence change is expected to alter the c-terminus of the INF2 protein (p.Val1247Aspfs*89). While this is not anticipated to result in nonsense mediated decay, it is expected to disrupt the last 3 amino acid(s) of the INF2 protein. This variant is present in population databases (rs753327806, gnomAD 0.03%). This variant has not been reported in the literature in individuals affected with INF2-related conditions. ClinVar contains an entry for this variant (Variation ID: 472863). In summary, the available evidence is currently insufficient to determine the role of this variant in disease. Therefore, it has been classified as a Variant of Uncertain Significance.

GeneDx
Classification: Uncertain significance. Last evaluated: 2024-06-18. Review status: criteria provided, single submitter. Criteria: GeneDx Variant Classification Process June 2021. Collection method: clinical testing. Allele origin: germline. Affected: yes.
Comment: Frameshift variant predicted to result in abnormal protein length as the last 3 amino acids are replaced with 88 different amino acids in a gene for which loss-of-function is not an established mechanism of disease; Has not been previously published as pathogenic or benign to our knowledge; This variant is associated with the following publications: (PMID: 32451589, 23014460)

Fulgent Genetics
Classification: Likely benign for Focal segmental glomerulosclerosis 5; Charcot-Marie-Tooth disease dominant intermediate E. Last evaluated: 2024-06-03. Review status: criteria provided, single submitter. Criteria: ACMG Guidelines, 2015. Collection method: clinical testing. Allele origin: germline.

Ambry Genetics
Classification: Likely benign for Inborn genetic diseases. Last evaluated: 2021-12-21. Review status: criteria provided, single submitter. Criteria: Ambry Variant Classification Scheme 2023. Collection method: clinical testing. Allele origin: germline.

Mayo Clinic Laboratories, Mayo Clinic
Classification: Uncertain significance. Last evaluated: 2020-12-08. Review status: criteria provided, single submitter. Criteria: ACMG Guidelines, 2015. Collection method: clinical testing. Allele origin: germline. Observed: 1 variant allele.

Victorian Clinical Genetics Services, Murdoch Childrens Research Institute
Classification: Uncertain significance for Focal segmental glomerulosclerosis 5. Last evaluated: 2020-10-19. Review status: criteria provided, single submitter. Criteria: ACMG Guidelines, 2015. Collection method: clinical testing. Allele origin: germline. Inheritance: Autosomal dominant inheritance. Affected: yes.
Comment: Based on the classification scheme VCGS_Germline_v1.3.3, this variant is classified as 3B-VUS. Following criteria are met: 0105 - The mechanism of disease for this gene is not clearly established. A number of functional studies have been published showing impaired INF2 regulation and interactions. The majority of reported pathogenic variants are missense variants in the DID domain. (PMID: 32451589) (I) 0107 - This gene is associated with autosomal dominant disease. (I) 0112 - The condition associated with this gene has incomplete penetrance. There are rare individuals within FSGS families who remained clinically unaffected into their sixth and seventh decades of life (PMIDs: 23014460, 32451589). (I) 0115 - Variants in this gene are known to have variable expressivity. There are inter- and intra-familial variations of disease presentations, where the same variants manifested as FSGS or FSGS + CMT. In addition, age of onset also varies. (PMID: 32451589) (I) 0208 - Variant is predicted to result in an elongated protein. (SP) 0219 - This variant is non-coding in an alternative transcript. The variant is present in isoform INF2-1 but not in isoform INF2-2 (PMID: 32451589). (I) 0251 - This variant is heterozygous. (I) 0302 - Variant is present in gnomAD <0.001 for a dominant condition (highest allele count is in v3: 36 heterozygotes, 0 homozygotes). (SP) 0705 - No comparable protein elongation variants have previous evidence for pathogenicity. (I) 0809 - Previous evidence of pathogenicity for this variant is inconclusive. This variant has been reported as uncertain significance in ClinVar. (I) 0905 - No published segregation evidence has been identified for this variant. (I) 1007 - No published functional evidence has been identified for this variant. (I) 1208 - Inheritance information for this variant is not currently available in this individual. (I) Legend: (SP) - Supporting pathogenic, (I) - Information, (SB) - Supporting benign

Literature cited by the submitters: PubMed 23014460 (cited by Victorian Clinical Genetics Services, Murdoch Childrens Research Institute); PubMed 32451589 (cited by Victorian Clinical Genetics Services, Murdoch Childrens Research Institute).

NM_022489.4(INF2):c.3740_3741del (p.Val1247fs)

Gene: INF2 (inverted formin 2; plus strand). Cytogenetic location: 14q32.33.
Variant type: Microsatellite.
Coding change: c.3740_3741del on transcript NM_022489.4 (MANE Select); coding-DNA positions 3740 to 3741, 2 bases deleted (TG; older notation c.3740_3741delTG).
Protein change: p.Val1247fs; shifts the reading frame from valine 1247.
Molecular consequence: frameshift variant. On other transcripts: intron variant (1).
Genome position (GRCh38, 1-based): chr14:104,715,329-104,715,330, TG deleted; deleting any 2 consecutive bases within chr14:104,715,323-104,715,330 gives the same sequence; the c. name uses the placement nearest the transcript's 3' end. VCF-style (leftmost placement, unchanged base first): chr14-104715322-CTG-C. GRCh37 (hg19) VCF-style: chr14-105181659-CTG-C.
Other names: c.3740_3741del (NM_022489.3); c.3694+467TG[3] (NM_001031714.4); short protein forms V1247fs.
Identifiers: ClinVar variation 472863 (VCV000472863.21), dbSNP rs753327806, ClinGen allele CA7373376.